The following is an entry in ClinVar:

ClinVar aggregate classification (germline): Uncertain significance. Review status: criteria provided, multiple submitters, no conflicts (2 of 4 stars). 2 submissions from 2 submitters: Uncertain significance (2). Last evaluated 2024-11-08.

Submissions (2):

Blueprint Genetics
Classification: Uncertain significance. Last evaluated: 2024-11-08. Review status: criteria provided, single submitter. Criteria: ACMG Guidelines, 2015. Collection method: clinical testing. Allele origin: germline.

Labcorp Genetics (formerly Invitae), Labcorp
Classification: Uncertain significance. Last evaluated: 2022-10-17. Review status: criteria provided, single submitter. Criteria: Invitae Variant Classification Sherloc (09022015). Collection method: clinical testing. Allele origin: germline.
Comment: This variant, c.1072_1074dup, results in the insertion of 1 amino acid(s) of the EPS8L2 protein (p.Cys358dup), but otherwise preserves the integrity of the reading frame. This variant is present in population databases (rs765291700, gnomAD 0.1%), and has an allele count higher than expected for a pathogenic variant. This variant has not been reported in the literature in individuals affected with EPS8L2-related conditions. ClinVar contains an entry for this variant (Variation ID: 1404367). Experimental studies and prediction algorithms are not available or were not evaluated, and the functional significance of this variant is currently unknown. In summary, the available evidence is currently insufficient to determine the role of this variant in disease. Therefore, it has been classified as a Variant of Uncertain Significance.

NM_022772.4(EPS8L2):c.1072_1074dup (p.Cys358dup)

Gene: EPS8L2 (EPS8 signaling adaptor L2; plus strand). Cytogenetic location: 11p15.5.
Variant type: Duplication.
Coding change: c.1072_1074dup on transcript NM_022772.4 (MANE Select); coding-DNA positions 1072 to 1074, 3 bases duplicated (TGC; older notation c.1072_1074dupTGC).
Protein change: p.Cys358dup; duplicates cysteine 358.
Molecular consequence: inframe insertion.
Genome position (GRCh38, 1-based): chr11:722,413-722,415, TGC duplicated; duplicating any 3 consecutive bases within chr11:722,412-722,415 gives the same sequence; the c. name uses the placement nearest the transcript's 3' end. VCF-style (leftmost placement, unchanged base first): chr11-722411-C-CCTG. GRCh37 (hg19) VCF-style: chr11-722411-C-CCTG.
Identifiers: ClinVar variation 1404367 (VCV001404367.4), dbSNP rs765291700, ClinGen allele CA5787490.